The following is an entry in ClinVar:

NM_000089.4(COL1A2):c.1837G>A (p.Gly613Arg)

Gene: COL1A2 (collagen type I alpha 2 chain; plus strand). Cytogenetic location: 7q21.3.
Variant type: single nucleotide variant.
Coding change: c.1837G>A on transcript NM_000089.4 (MANE Select); coding-DNA position 1837, G replaced by A.
Protein change: p.Gly613Arg; replaces glycine 613 with arginine.
Molecular consequence: missense variant.
Genome position (GRCh38, 1-based): chr7:94,416,477, G>A. VCF-style: chr7-94416477-G-A. GRCh37 (hg19) VCF-style: chr7-94045789-G-A.
Other names: short protein forms G613R.
Identifiers: ClinVar variation 969772 (VCV000969772.12), dbSNP rs1792044352, ClinGen allele CA368222699.
Genomic context (GRCh38, chr7:94,416,477, plus strand): 5'-CCCCCAGGTGAGAGTGGTGCTGCCGGTCCTACTGGTCCTATTGGAAGCCGAGGTCCTTCT[G>A]GACCCCCAGGGCCTGATGGAAACAAGGTAAAATCTTATGTTTTCTATATTGCTGGTTTGG-3'
Protein context (NP_000080.2, residues 603-623): TGPIGSRGPS[Gly613Arg]PPGPDGNKGE

ClinVar aggregate classification (germline): Likely pathogenic. Review status: criteria provided, multiple submitters, no conflicts (2 of 4 stars). 2 submissions from 2 submitters: Likely pathogenic (2). Last evaluated 2023-10-26.

Conditions:
Osteogenesis imperfecta type I (OI1). Also called: OI, TYPE I; OSTEOGENESIS IMPERFECTA TARDA; OSTEOGENESIS IMPERFECTA WITH BLUE SCLERAE; Osteogenesis imperfecta type 1; Classic Non-deforming Osteogenesis Imperfecta with Blue Sclerae; Lobstein's Disease. Identifiers: Orphanet 216796, Orphanet 666, MedGen C0023931, MONDO:0008146, OMIM 166200. Disease mechanism: loss of function.
Ehlers-Danlos syndrome, classic type, 1 (EDSCL1). Also called: EHLERS-DANLOS SYNDROME, GRAVIS TYPE; EHLERS-DANLOS SYNDROME, SEVERE CLASSIC TYPE; EDS I; Ehlers-Danlos Syndrome, Classic Type, COL5A1-Related; Ehlers-Danlos syndrome, type 1. Identifiers: MedGen C0268335, MONDO:0019567, OMIM 130000.
Ehlers-Danlos syndrome (EDS). Identifiers: Orphanet 98249, MedGen C0013720, MONDO:0020066.

Submissions (2):

Women's Health and Genetics/Laboratory Corporation of America, LabCorp
Classification: Likely pathogenic for Ehlers-Danlos syndrome. Last evaluated: 2023-10-26. Review status: criteria provided, single submitter. Criteria: LabCorp Variant Classification Summary - May 2015. Collection method: clinical testing. Allele origin: germline.
Comment: Variant summary: COL1A2 c.1837G>A (p.Gly613Arg) results in a non-conservative amino acid change in the Triple-helical region of the encoded protein sequence and is predicted to disrupt the Gly-X-Y repeats in the collagenous domain. Five of five in-silico tools predict a damaging effect of the variant on protein function. The variant was absent in 188190 control chromosomes (gnomAD). To our knowledge, no occurrence of c.1837G>A in individuals affected with Ehlers-Danlos Syndrome and no experimental evidence demonstrating its impact on protein function have been reported. One submitter has cited clinical-significance assessments for this variant to ClinVar after 2014 and has classified the variant as likely pathogenic. Based on the evidence outlined above, the variant was classified as likely pathogenic.

Labcorp Genetics (formerly Invitae), Labcorp
Classification: Likely pathogenic for Osteogenesis imperfecta type I; Ehlers-Danlos syndrome, classic type, 1. Last evaluated: 2019-10-18. Review status: criteria provided, single submitter. Criteria: Invitae Variant Classification Sherloc (09022015). Collection method: clinical testing. Allele origin: germline.
Comment: This variant is not present in population databases (ExAC no frequency). Glycine residues within the Gly-Xaa-Yaa repeats of the triple helix domain are required for the structure and stability of fibrillar collagens (PMID: 7695699, 8218237, 19344236). In COL1A2, missense variants at these glycine residues are significantly enriched in individuals with disease (PMID: 9016532, 17078022) compared to the general population (ExAC). In summary, the currently available evidence indicates that the variant is pathogenic, but additional data are needed to prove that conclusively. Therefore, this variant has been classified as Likely Pathogenic. Algorithms developed to predict the effect of missense changes on protein structure and function (SIFT, PolyPhen-2, Align-GVGD) all suggest that this variant is likely to be disruptive, but these predictions have not been confirmed by published functional studies and their clinical significance is uncertain. This sequence change replaces glycine with arginine at codon 613 of the COL1A2 protein (p.Gly613Arg). The glycine residue is highly conserved and there is a moderate physicochemical difference between glycine and arginine.

Literature cited by the submitters: PubMed 7695699 (cited by Labcorp Genetics (formerly Invitae), Labcorp); PubMed 8218237 (cited by Labcorp Genetics (formerly Invitae), Labcorp); PubMed 19344236 (cited by Labcorp Genetics (formerly Invitae), Labcorp); PubMed 9016532 (cited by Labcorp Genetics (formerly Invitae), Labcorp); PubMed 17078022 (cited by Labcorp Genetics (formerly Invitae), Labcorp).